The following is an entry in ClinVar:

NM_001114753.3(ENG):c.680A>T (p.His227Leu)

Gene: ENG (endoglin; minus strand). Cytogenetic location: 9q34.11.
Variant type: single nucleotide variant.
Coding change: c.680A>T on transcript NM_001114753.3 (MANE Select); coding-DNA position 680, A replaced by T.
Protein change: p.His227Leu; replaces histidine 227 with leucine.
Molecular consequence: missense variant.
Genome position (GRCh38, 1-based): chr9:127,825,704, T>A on the plus strand (A>T on the coding strand, the complement: ENG is on the minus strand). VCF-style: chr9-127825704-T-A. GRCh37 (hg19) VCF-style: chr9-130587983-T-A.
Other names: c.680A>T, p.His227Leu (NM_000118.4, NM_001406715.1); c.134A>T, p.His45Leu (NM_001278138.2); short protein forms H227L, H45L.
Identifiers: ClinVar variation 4870432 (VCV004870432.1).

ClinVar aggregate classification (germline): Uncertain significance (1 of 4 stars; one submission).

Conditions:
Cardiovascular phenotype. Identifiers: MedGen CN230736.

Submission:

Ambry Genetics
Classification: Uncertain significance for Cardiovascular phenotype. Last evaluated: 2026-03-26. Review status: criteria provided, single submitter. Criteria: Ambry Variant Classification Scheme 2023. Collection method: clinical testing. Allele origin: germline.
Comment: The p.H227L variant (also known as c.680A>T), located in coding exon 5 of the ENG gene, results from an A to T substitution at nucleotide position 680. The histidine at codon 227 is replaced by leucine, an amino acid with similar properties. This amino acid position is conserved. In addition, this alteration is predicted to be tolerated by in silico analysis. Based on the available evidence, the clinical significance of this variant remains unclear.